The following is an entry in ClinVar:

NM_000135.4(FANCA):c.1159C>G (p.Gln387Glu)

Gene: FANCA (FA complementation group A; minus strand). Cytogenetic location: 16q24.3.
Variant type: single nucleotide variant.
Coding change: c.1159C>G on transcript NM_000135.4 (MANE Select); coding-DNA position 1159, C replaced by G.
Protein change: p.Gln387Glu; replaces glutamine 387 with glutamic acid.
Molecular consequence: missense variant.
Genome position (GRCh38, 1-based): chr16:89,791,993, G>C on the plus strand (C>G on the coding strand, the complement: FANCA is on the minus strand). VCF-style: chr16-89791993-G-C. GRCh37 (hg19) VCF-style: chr16-89858401-G-C.
Other names: c.1159C>G, p.Gln387Glu (NM_001286167.3); short protein forms Q387E.
Identifiers: ClinVar variation 4022119 (VCV004022119.1).

ClinVar aggregate classification (germline): Uncertain significance (1 of 4 stars; one submission).

Conditions:
Inborn genetic diseases. Identifiers: MedGen C0950123, MeSH D030342.

Submission:

Ambry Genetics
Classification: Uncertain significance for Inborn genetic diseases. Last evaluated: 2025-03-28. Review status: criteria provided, single submitter. Criteria: Ambry Variant Classification Scheme 2023. Collection method: clinical testing. Allele origin: germline.
Comment: The p.Q387E variant (also known as c.1159C>G), located in coding exon 13 of the FANCA gene, results from a C to G substitution at nucleotide position 1159. The glutamine at codon 387 is replaced by glutamic acid, an amino acid with highly similar properties. This amino acid position is conserved. In addition, this alteration is predicted to be tolerated by in silico analysis. Based on the available evidence, the clinical significance of this variant remains unclear.